The following is an entry in ClinVar:

NM_001042492.3(NF1):c.4743dup (p.Glu1582fs)

Gene: NF1 (neurofibromin 1; plus strand). Cytogenetic location: 17q11.2.
Variant type: Duplication.
Coding change: c.4743dup on transcript NM_001042492.3 (MANE Select); coding-DNA position 4743, one base duplicated (A; older notation c.4743dupA).
Protein change: p.Glu1582fs; shifts the reading frame from glutamic acid 1582.
Molecular consequence: frameshift variant.
Genome position (GRCh38, 1-based): chr17:31,265,247, A duplicated; the last of 5 consecutive A bases (chr17:31,265,243-31,265,247); duplicating any one gives the same sequence. VCF-style (leftmost placement, unchanged base first): chr17-31265242-G-GA. GRCh37 (hg19) VCF-style: chr17-29592260-G-GA.
Other names: c.4680dupA (NM_000267.3); c.4680dup, p.Glu1561Argfs (NM_000267.4); short protein forms E1582fs, E1561fs.
Identifiers: ClinVar variation 580651 (VCV000580651.5), dbSNP rs1567864972, ClinGen allele CA891843830.

ClinVar aggregate classification (germline): Pathogenic (1 of 4 stars; one submission).

Conditions:
Neurofibromatosis, type 1 (NF1). Also called: Peripheral type neurofibromatosis; Neurofibromatosis, type I; VON RECKLINGHAUSEN DISEASE; NEUROFIBROMATOSIS, TYPE I, SOMATIC. Identifiers: Orphanet 636, MedGen C0027831, MONDO:0018975, OMIM 162200. Disease mechanism: loss of function.

Submission:

Labcorp Genetics (formerly Invitae), Labcorp
Classification: Pathogenic for Neurofibromatosis, type 1. Last evaluated: 2025-04-11. Review status: criteria provided, single submitter. Criteria: Invitae Variant Classification Sherloc (09022015). Collection method: clinical testing. Allele origin: germline.
Comment: This sequence change creates a premature translational stop signal (p.Glu1561Argfs*40) in the NF1 gene. It is expected to result in an absent or disrupted protein product. Loss-of-function variants in NF1 are known to be pathogenic (PMID: 10712197, 23913538). This variant is not present in population databases (gnomAD no frequency). This variant has not been reported in the literature in individuals affected with NF1-related conditions. ClinVar contains an entry for this variant (Variation ID: 580651). For these reasons, this variant has been classified as Pathogenic.

Literature cited by the submitters: PubMed 10712197; PubMed 23913538.